The following is an entry in ClinVar:

ClinVar aggregate classification (germline): Conflicting classifications of pathogenicity. Review status: criteria provided, conflicting classifications (1 of 4 stars). 3 submissions from 3 submitters: Uncertain significance (2); Likely benign (1). Last evaluated 2026-05-03.

Conditions:
Familial thoracic aortic aneurysm and aortic dissection (TAAD). Also called: Thoracic aortic aneurysms and dissections. Identifiers: Orphanet 91387, MedGen C4707243, MONDO:0019625.
Heterotopia, periventricular, X-linked dominant (PVNH1). Also called: PERIVENTRICULAR NODULAR HETEROTOPIA 4; HETEROTOPIA, PERIVENTRICULAR, 1; X-linked periventricular heterotopia; PERIVENTRICULAR NODULAR HETEROTOPIA 1. Identifiers: Orphanet 2149, Orphanet 82004, MedGen C1848213, MONDO:0010233, OMIM 300049.
Oto-palato-digital syndrome, type II (OPD2). Also called: Otopalatodigital Syndrome, Type II; Otopalatodigital Syndrome Type 2 (FLNA-OPD2); FACIOPALATOOSSEOUS SYNDROME; OPD II SYNDROME. Identifiers: Orphanet 669, Orphanet 90652, MedGen C1844696, MONDO:0010571, OMIM 304120.
Frontometaphyseal dysplasia (FMD1). Identifiers: Orphanet 1826, MedGen C0265293, MONDO:0015942.
Melnick-Needles syndrome (MNS). Also called: Melnick-Needles Syndrome (FLNA-MNS); MELNICK-NEEDLES OSTEODYSPLASTY; OSTEODYSPLASTY OF MELNICK AND NEEDLES. Identifiers: Orphanet 2484, MedGen C0025237, MONDO:0010650, OMIM 309350.

Allele frequency attached by ClinVar (database versions not stated): gnomAD exomes 0.00001 and 0.00002; gnomAD 0.00001; TOPMed 0.00002; ExAC 0.00002.
gnomAD v4.1: 13 of 1,209,902 alleles (0.0011%); highest among the groups gnomAD compares: South Asian, 0.0018%; no homozygotes.

Submissions (3):

Ambry Genetics
Classification: Uncertain significance for Familial thoracic aortic aneurysm and aortic dissection. Last evaluated: 2026-05-03. Review status: criteria provided, single submitter. Criteria: Ambry Variant Classification Scheme 2023. Collection method: clinical testing. Allele origin: germline.
Comment: The p.V2022M variant (also known as c.6064G>A), located in coding exon 36 of the FLNA gene, results from a G to A substitution at nucleotide position 6064. The valine at codon 2022 is replaced by methionine, an amino acid with highly similar properties. This amino acid position is conserved. In addition, the in silico prediction for this alteration is inconclusive. Based on the available evidence, the clinical significance of this variant remains unclear.

Labcorp Genetics (formerly Invitae), Labcorp
Classification: Likely benign for Oto-palato-digital syndrome, type II; Heterotopia, periventricular, X-linked dominant; Frontometaphyseal dysplasia; Melnick-Needles syndrome. Last evaluated: 2024-06-10. Review status: criteria provided, single submitter. Criteria: Invitae Variant Classification Sherloc (09022015). Collection method: clinical testing. Allele origin: germline.

GeneDx
Classification: Uncertain significance. Last evaluated: 2024-01-05. Review status: criteria provided, single submitter. Criteria: GeneDx Variant Classification Process June 2021. Collection method: clinical testing. Allele origin: germline. Affected: yes.
Comment: Has not been previously published as pathogenic or benign to our knowledge; Not observed at significant frequency in large population cohorts (gnomAD); In silico analysis supports that this missense variant does not alter protein structure/function

NM_001110556.2(FLNA):c.6088G>A (p.Val2030Met)

Gene: FLNA (filamin A; minus strand). Cytogenetic location: Xq28.
Variant type: single nucleotide variant.
Coding change: c.6088G>A on transcript NM_001110556.2 (MANE Select); coding-DNA position 6088, G replaced by A.
Protein change: p.Val2030Met; replaces valine 2030 with methionine.
Molecular consequence: missense variant.
Genome position (GRCh38, 1-based): chrX:154,353,139, C>T on the plus strand (G>A on the coding strand, the complement: FLNA is on the minus strand). VCF-style: chrX-154353139-C-T. GRCh37 (hg19) VCF-style: chrX-153581507-C-T.
Other names: p.V2022M:GTG>ATG; c.6064G>A, p.Val2022Met (NM_001456.4); short protein forms V2022M, V2030M.
Identifiers: ClinVar variation 213479 (VCV000213479.7), dbSNP rs781920955, ClinGen allele CA324507.